The following is an entry in ClinVar:

NM_080680.3(COL11A2):c.1586del (p.Gly529fs)

Gene: COL11A2 (collagen type XI alpha 2 chain; minus strand). Cytogenetic location: 6p21.32.
Variant type: Deletion.
Coding change: c.1586del on transcript NM_080680.3 (MANE Select); coding-DNA position 1586, one base deleted (G; older notation c.1586delG).
Protein change: p.Gly529fs; shifts the reading frame from glycine 529.
Molecular consequence: frameshift variant.
Genome position (GRCh38, 1-based): chr6:33,179,098, C deleted on the plus strand (G on the coding strand, the reverse complement: COL11A2 is on the minus strand); the first of 2 consecutive C bases (chr6:33,179,098-33,179,099); deleting either gives the same sequence. VCF-style (leftmost placement, unchanged base first): chr6-33179097-GC-G. GRCh37 (hg19) VCF-style: chr6-33146874-GC-G.
Other names: c.1265del, p.Gly422fs (NM_080679.3); c.1328del, p.Gly443fs (NM_080681.3); c.1586delG (NM_080680.2); short protein forms G422fs, G443fs, G529fs.
Identifiers: ClinVar variation 2117536 (VCV002117536.5), dbSNP rs1361382376, ClinGen allele CA566699130.

ClinVar aggregate classification (germline): Pathogenic/Likely pathogenic. Review status: criteria provided, multiple submitters, no conflicts (2 of 4 stars). 2 submissions from 2 submitters: Pathogenic (1); Likely pathogenic (1). Last evaluated 2025-10-17.

Conditions:
COL11A2-related disorder. Also called: COL11A2-related condition; COL11A2-related disorders.

Submissions (2):

PreventionGenetics, part of Exact Sciences
Classification: Likely pathogenic for COL11A2-related condition. Last evaluated: 2025-10-17. Review status: criteria provided, single submitter. Criteria: ACMG Guidelines, 2015. Collection method: clinical testing. Allele origin: germline.
Comment: The COL11A2 c.1586delG variant is predicted to result in a frameshift and premature protein termination (p.Gly529Alafs*26). To our knowledge this variant has not been reported in the literature. This variant is reported in 0.00089% of alleles in individuals of European (Non-Finnish) descent in gnomAD. Frameshift variants in COL11A2 are expected to be pathogenic. This variant is interpreted as likely pathogenic.

Labcorp Genetics (formerly Invitae), Labcorp
Classification: Pathogenic. Last evaluated: 2023-11-21. Review status: criteria provided, single submitter. Criteria: Invitae Variant Classification Sherloc (09022015). Collection method: clinical testing. Allele origin: germline.
Comment: This sequence change creates a premature translational stop signal (p.Gly529Alafs*26) in the COL11A2 gene. It is expected to result in an absent or disrupted protein product. Loss-of-function variants in COL11A2 are known to be pathogenic (PMID: 10677296, 21204229). This variant is present in population databases (no rsID available, gnomAD 0.0009%). This variant has not been reported in the literature in individuals affected with COL11A2-related conditions. ClinVar contains an entry for this variant (Variation ID: 2117536). For these reasons, this variant has been classified as Pathogenic.

Literature cited by the submitters: PubMed 10677296 (cited by Labcorp Genetics (formerly Invitae), Labcorp); PubMed 21204229 (cited by Labcorp Genetics (formerly Invitae), Labcorp).